The following is an entry in ClinVar:

ClinVar aggregate classification (germline): Benign/Likely benign. Review status: criteria provided, multiple submitters, no conflicts (2 of 4 stars). 2 submissions from 2 submitters: Benign (1); Likely benign (1). Last evaluated 2022-09-01.

Allele frequency attached by ClinVar (database versions not stated): ExAC 0.00027; gnomAD 0.00055; TOPMed 0.00067; 1000 Genomes Project 0.00080; ESP Exome Variant Server 0.00106; 1000 Genomes Project 30x 0.00109.
gnomAD v4.1: 330 of 1,611,220 alleles (0.02%); highest among the groups gnomAD compares: African/African-American, 0.17%; no homozygotes.

Submissions (2):

CeGaT Center for Human Genetics Tuebingen
Classification: Likely benign. Last evaluated: 2022-09-01. Review status: criteria provided, single submitter. Criteria: CeGaT Center For Human Genetics Tuebingen Variant Classification Criteria Version 2. Collection method: clinical testing. Allele origin: germline. Affected: yes. Observed: 1 variant allele.
Comment: LAMA3: BP4

Labcorp Genetics (formerly Invitae), Labcorp
Classification: Benign. Last evaluated: 2022-08-23. Review status: criteria provided, single submitter. Criteria: Invitae Variant Classification Sherloc (09022015). Collection method: clinical testing. Allele origin: germline.

NM_198129.4(LAMA3):c.3932C>T (p.Pro1311Leu)

Gene: LAMA3 (laminin subunit alpha 3; plus strand). Cytogenetic location: 18q11.2.
Variant type: single nucleotide variant.
Coding change: c.3932C>T on transcript NM_198129.4 (MANE Select); coding-DNA position 3932, C replaced by T.
Protein change: p.Pro1311Leu; replaces proline 1311 with leucine.
Molecular consequence: missense variant.
Genome position (GRCh38, 1-based): chr18:23,847,464, C>T. VCF-style: chr18-23847464-C-T. GRCh37 (hg19) VCF-style: chr18-21427428-C-T.
Other names: c.3932C>T, p.Pro1311Leu (NM_001127717.4); short protein forms P1311L.
Identifiers: ClinVar variation 2074429 (VCV002074429.28), dbSNP rs200422355, ClinGen allele CA8915439.
Genomic context (GRCh38, chr18:23,847,464, plus strand): 5'-TGCTGCTGGAGCCCAGGCGGCCTTTGACCCTCACATGGTATTTCTTTATCCCCTGGCCAG[C>T]GTGCAGCTGTGGTCGGCGCCTTTGTGAAGAGATGACGGGGCAGTGCCGCTGCCCTCCCCG-3'
Protein context (NP_937762.2, residues 1301-1321): TGHYGFPRCK[Pro1311Leu]CSCGRRLCEE